The following is an entry in ClinVar:

ClinVar aggregate classification (germline): Uncertain significance (1 of 4 stars; one submission).

Submission:

Women's Health and Genetics/Laboratory Corporation of America, LabCorp
Classification: Uncertain significance. Last evaluated: 2025-01-20. Review status: criteria provided, single submitter. Criteria: LabCorp Variant Classification Summary - May 2015. Collection method: clinical testing. Allele origin: germline.
Comment: Variant summary: PKD1 c.9452A>C (p.His3151Pro) results in a non-conservative amino acid change located in the polycystin-1 like, PLAT/LH2 domain (IPR042060) of the encoded protein sequence. Four of five in-silico tools predict a damaging effect of the variant on protein function. The variant was absent in 246908 control chromosomes. The available data on variant occurrences in the general population are insufficient to allow any conclusion about variant significance. To our knowledge, no occurrence of c.9452A>C in individuals affected with Polycystic Kidney Disease 1 and no experimental evidence demonstrating its impact on protein function have been reported. No submitters have cited clinical-significance assessments for this variant to ClinVar. Based on the evidence outlined above, the variant was classified as uncertain significance.

NM_001009944.3(PKD1):c.9452A>C (p.His3151Pro)

Gene: PKD1 (polycystin 1, transient receptor potential channel interacting; minus strand). Cytogenetic location: 16p13.3.
Variant type: single nucleotide variant.
Coding change: c.9452A>C on transcript NM_001009944.3 (MANE Select); coding-DNA position 9452, A replaced by C.
Protein change: p.His3151Pro; replaces histidine 3151 with proline.
Molecular consequence: missense variant.
Genome position (GRCh38, 1-based): chr16:2,100,512, T>G on the plus strand (A>C on the coding strand, the complement: PKD1 is on the minus strand). VCF-style: chr16-2100512-T-G. GRCh37 (hg19) VCF-style: chr16-2150513-T-G.
Other names: c.9452A>C, p.His3151Pro (NM_000296.4); short protein forms H3151P.
Identifiers: ClinVar variation 3769520 (VCV003769520.2).